The following is an entry in ClinVar:

ClinVar aggregate classification (germline): Uncertain significance (1 of 4 stars; one submission).

Allele frequency attached by ClinVar (database versions not stated): gnomAD exomes below 0.00001; TOPMed below 0.00001.
gnomAD v4.1: 1 of 1,210,534 alleles (0.000083%); highest among the groups gnomAD compares: Admixed American, 0.0022%; no homozygotes.

Submission:

GeneDx
Classification: Uncertain significance. Last evaluated: 2022-12-02. Review status: criteria provided, single submitter. Criteria: GeneDx Variant Classification Process June 2021. Collection method: clinical testing. Allele origin: germline. Affected: yes.
Comment: Not observed at significant frequency in large population cohorts (gnomAD); In silico analysis supports that this missense variant has a deleterious effect on protein structure/function; Has not been previously published as pathogenic or benign to our knowledge

NM_020922.5(WNK3):c.4571A>T (p.Asp1524Val)

Gene: WNK3 (WNK lysine deficient protein kinase 3; minus strand). Cytogenetic location: Xp11.22.
Variant type: single nucleotide variant.
Coding change: c.4571A>T on transcript NM_020922.5 (MANE Select); coding-DNA position 4571, A replaced by T.
Protein change: p.Asp1524Val; replaces aspartic acid 1524 with valine.
Molecular consequence: missense variant.
Genome position (GRCh38, 1-based): chrX:54,236,995, T>A on the plus strand (A>T on the coding strand, the complement: WNK3 is on the minus strand). VCF-style: chrX-54236995-T-A. GRCh37 (hg19) VCF-style: chrX-54263428-T-A.
Other names: c.4430A>T, p.Asp1477Val (NM_001002838.4, NM_001395166.1); short protein forms D1477V, D1524V.
Identifiers: ClinVar variation 2504324 (VCV002504324.1), dbSNP rs1307607722, ClinGen allele CA413340524.